The following is an entry in ClinVar:

NM_014727.3(KMT2B):c.7788C>T (p.Asp2596=)

Gene: KMT2B (lysine methyltransferase 2B; plus strand). Cytogenetic location: 19q13.12.
Variant type: single nucleotide variant.
Coding change: c.7788C>T on transcript NM_014727.3 (MANE Select); coding-DNA position 7788, C replaced by T.
Protein change: p.Asp2596=; no amino-acid change (aspartic acid 2596 retained).
Molecular consequence: synonymous variant.
Genome position (GRCh38, 1-based): chr19:35,738,107, C>T. VCF-style: chr19-35738107-C-T. GRCh37 (hg19) VCF-style: chr19-36229008-C-T.
Identifiers: ClinVar variation 1550135 (VCV001550135.32), dbSNP rs61743066, ClinGen allele CA9386037.

ClinVar aggregate classification (germline): Likely benign. Review status: criteria provided, multiple submitters, no conflicts (2 of 4 stars). 3 submissions from 3 submitters: Likely benign (3). Last evaluated 2026-01-17.

Allele frequency attached by ClinVar (database versions not stated): gnomAD 0.00015 and 0.00018; gnomAD exomes 0.00015; ExAC 0.00018; TOPMed 0.00026.

Submissions (3):

Labcorp Genetics (formerly Invitae), Labcorp
Classification: Likely benign. Last evaluated: 2026-01-17. Review status: criteria provided, single submitter. Criteria: Invitae Variant Classification Sherloc (09022015). Collection method: clinical testing. Allele origin: germline.

Blueprint Genetics
Classification: Likely benign. Last evaluated: 2024-09-13. Review status: criteria provided, single submitter. Criteria: ACMG Guidelines, 2015. Collection method: clinical testing. Allele origin: germline.

CeGaT Center for Human Genetics Tuebingen
Classification: Likely benign. Last evaluated: 2024-08-01. Review status: criteria provided, single submitter. Criteria: CeGaT Center For Human Genetics Tuebingen Variant Classification Criteria Version 2. Collection method: clinical testing. Allele origin: germline. Affected: yes. Observed: 3 variant alleles.
Comment: KMT2B: BP4, BP7